The following is an entry in ClinVar:

NM_001378778.1(MPDZ):c.4794G>A (p.Pro1598=)

Gene: MPDZ (multiple PDZ domain crumbs cell polarity complex component; minus strand). Cytogenetic location: 9p23.
Variant type: single nucleotide variant.
Coding change: c.4794G>A on transcript NM_001378778.1 (MANE Select); coding-DNA position 4794, G replaced by A.
Protein change: p.Pro1598=; no amino-acid change (proline 1598 retained).
Molecular consequence: synonymous variant.
Genome position (GRCh38, 1-based): chr9:13,125,229, C>T on the plus strand (G>A on the coding strand, the complement: MPDZ is on the minus strand). VCF-style: chr9-13125229-C-T. GRCh37 (hg19) VCF-style: chr9-13125228-C-T.
Other names: c.4695G>A, p.Pro1565= (NM_001261406.2, NM_001261407.2, NM_001375416.1 and 3 more transcripts); c.4794G>A, p.Pro1598= (NM_001330637.2, NM_003829.5); c.4893G>A, p.Pro1631= (NM_001375413.1); c.4584G>A, p.Pro1528= (NM_001375420.1, NM_001375421.1, NM_001375422.1 and 4 more transcripts); c.4386G>A, p.Pro1462= (NM_001375427.1).
Identifiers: ClinVar variation 3389355 (VCV003389355.16).

ClinVar aggregate classification (germline): Likely benign. Review status: criteria provided, multiple submitters, no conflicts (2 of 4 stars). 2 submissions from 2 submitters: Likely benign (2). Last evaluated 2024-11-01.

gnomAD v4.1: 11 of 1,598,746 alleles (0.00069%); highest among the groups gnomAD compares: South Asian, 0.0045%; no homozygotes.

Submissions (2):

CeGaT Center for Human Genetics Tuebingen
Classification: Likely benign. Last evaluated: 2024-11-01. Review status: criteria provided, single submitter. Criteria: CeGaT Center For Human Genetics Tuebingen Variant Classification Criteria Version 2. Collection method: clinical testing. Allele origin: germline. Affected: yes. Observed: 1 variant allele.
Comment: MPDZ: BP4, BP7

Labcorp Genetics (formerly Invitae), Labcorp
Classification: Likely benign. Last evaluated: 2024-06-10. Review status: criteria provided, single submitter. Criteria: Invitae Variant Classification Sherloc (09022015). Collection method: clinical testing. Allele origin: germline.